The following is an entry in ClinVar:

NM_000257.4(MYH7):c.4519G>A (p.Glu1507Lys)

Genes: MHRT (myosin heavy chain associated RNA transcript; plus strand), MYH7 (myosin heavy chain 7; minus strand). Cytogenetic location: 14q11.2.
Variant type: single nucleotide variant.
Coding change: c.4519G>A on transcript NM_000257.4 (MANE Select); coding-DNA position 4519, G replaced by A.
Protein change: p.Glu1507Lys; replaces glutamic acid 1507 with lysine.
Molecular consequence: missense variant.
Genome position (GRCh38, 1-based): chr14:23,417,153, C>T on the plus strand (G>A on the coding strand, the complement: MYH7 is on the minus strand). VCF-style: chr14-23417153-C-T. GRCh37 (hg19) VCF-style: chr14-23886362-C-T.
Other names: c.4519G>A, p.Glu1507Lys (NM_001407004.1); short protein forms E1507K.
Identifiers: ClinVar variation 3387296 (VCV003387296.1).

ClinVar aggregate classification (germline): Uncertain significance (1 of 4 stars; one submission).

Conditions:
Hypertrophic cardiomyopathy. Also called: HYPERTROPHIC MYOCARDIOPATHY. Identifiers: Orphanet 217569, MedGen C0007194, MeSH D002312, MONDO:0005045, HP:0001639.

Submission:

All of Us Research Program, National Institutes of Health
Classification: Uncertain significance for Hypertrophic cardiomyopathy. Last evaluated: 2024-05-24. Review status: criteria provided, single submitter. Criteria: ACMG Guidelines, 2015. Collection method: clinical testing. Allele origin: germline. Inheritance: Autosomal dominant inheritance. Observed: 1 variant allele, 1 heterozygote.
Comment: This study involves interpretation of variants in research participants for the purpose of population health screening. Participant phenotype was not available at the time of variant classification. Additional details can be found in publication PMID: 35346344, PMCID: PMC8962531